The following is an entry in ClinVar:

ClinVar aggregate classification (germline): Uncertain significance. Review status: criteria provided, multiple submitters, no conflicts (2 of 4 stars). 2 submissions from 2 submitters: Uncertain significance (2). Last evaluated 2025-09-01.

Allele frequency attached by ClinVar (database versions not stated): ExAC 0.00001; gnomAD 0.00001; gnomAD exomes 0.00001; TOPMed 0.00001.
gnomAD v4.1: 21 of 1,613,992 alleles (0.0013%); highest among the groups gnomAD compares: Non-Finnish European, 0.0017%; no homozygotes.

Submissions (2):

Ambry Genetics
Classification: Uncertain significance. Last evaluated: 2025-09-01. Review status: criteria provided, single submitter. Criteria: Ambry Variant Classification Scheme 2023. Collection method: clinical testing. Allele origin: germline.

Labcorp Genetics (formerly Invitae), Labcorp
Classification: Uncertain significance. Last evaluated: 2022-12-14. Review status: criteria provided, single submitter. Criteria: Invitae Variant Classification Sherloc (09022015). Collection method: clinical testing. Allele origin: germline.
Comment: In summary, the available evidence is currently insufficient to determine the role of this variant in disease. Therefore, it has been classified as a Variant of Uncertain Significance. Algorithms developed to predict the effect of missense changes on protein structure and function are either unavailable or do not agree on the potential impact of this missense change (SIFT: "Deleterious"; PolyPhen-2: "Benign"; Align-GVGD: "Class C0"). This variant has not been reported in the literature in individuals affected with SLCO5A1-related conditions. This variant is present in population databases (rs764372561, gnomAD 0.004%). This sequence change replaces glutamic acid, which is acidic and polar, with alanine, which is neutral and non-polar, at codon 296 of the SLCO5A1 protein (p.Glu296Ala).

NM_030958.3(SLCO5A1):c.887A>C (p.Glu296Ala)

Gene: SLCO5A1 (solute carrier organic anion transporter family member 5A1; minus strand). Cytogenetic location: 8q13.3.
Variant type: single nucleotide variant.
Coding change: c.887A>C on transcript NM_030958.3 (MANE Select); coding-DNA position 887, A replaced by C.
Protein change: p.Glu296Ala; replaces glutamic acid 296 with alanine.
Molecular consequence: missense variant.
Genome position (GRCh38, 1-based): chr8:69,831,787, T>G on the plus strand (A>C on the coding strand, the complement: SLCO5A1 is on the minus strand). VCF-style: chr8-69831787-T-G. GRCh37 (hg19) VCF-style: chr8-70744022-T-G.
Other names: c.887A>C, p.Glu296Ala (NM_001146008.2, NM_001146009.1); c.887A>C (NM_030958.2); short protein forms E296A.
Identifiers: ClinVar variation 2908340 (VCV002908340.4), dbSNP rs764372561, ClinGen allele CA4776726.